The following is an entry in ClinVar:

ClinVar aggregate classification (germline): Uncertain significance (1 of 4 stars; one submission).

Submission:

Labcorp Genetics (formerly Invitae), Labcorp
Classification: Uncertain significance. Last evaluated: 2023-10-17. Review status: criteria provided, single submitter. Criteria: Invitae Variant Classification Sherloc (09022015). Collection method: clinical testing. Allele origin: unknown.
Comment: This variant is a gross deletion of the genomic region encompassing exon(s) 2 of the EIF2B1 gene. This variant would be expected to be in-frame, preserving the integrity of the reading frame. This variant has not been reported in the literature in individuals affected with EIF2B1-related conditions. Experimental studies and prediction algorithms are not available or were not evaluated, and the functional significance of this variant is currently unknown. In summary, the available evidence is currently insufficient to determine the role of this variant in disease. Therefore, it has been classified as a Variant of Uncertain Significance.

NC_000012.11:g.(?_124116872)_(124117013_?)del

Gene: EIF2B1 (eukaryotic translation initiation factor 2B subunit alpha; minus strand). Cytogenetic location: 12q24.31.
Variant type: Deletion.
Identifiers: ClinVar variation 3244369 (VCV003244369.1).